The following is an entry in ClinVar:

NM_147127.5(EVC2):c.3379T>C (p.Tyr1127His)

Gene: EVC2 (EvC ciliary complex subunit 2; minus strand). Cytogenetic location: 4p16.2.
Variant type: single nucleotide variant.
Coding change: c.3379T>C on transcript NM_147127.5 (MANE Select); coding-DNA position 3379, T replaced by C.
Protein change: p.Tyr1127His; replaces tyrosine 1127 with histidine.
Molecular consequence: missense variant.
Genome position (GRCh38, 1-based): chr4:5,568,622, A>G on the plus strand (T>C on the coding strand, the complement: EVC2 is on the minus strand). VCF-style: chr4-5568622-A-G. GRCh37 (hg19) VCF-style: chr4-5570349-A-G.
Other names: c.3139T>C, p.Tyr1047His (NM_001166136.2); short protein forms Y1047H, Y1127H.
Identifiers: ClinVar variation 2550407 (VCV002550407.5), dbSNP rs199652320, ClinGen allele CA91691496.
Genomic context (GRCh38, chr4:5,568,622, plus strand): 5'-GTACCACACTCAGGAGCCGGCGAAGCGTGGCCCCGGGCACCATGGCCATCCTCGCCAGGT[A>G]CGATGCCAGTCTCAGCTCCTACAGGAAACAACAGAGGGAGTTCAGACCCTCGCCGCCTCT-3'
Protein context (NP_667338.3, residues 1117-1137): LCSQELRLAS[Tyr1127His]LARMAMVPGA

ClinVar aggregate classification (germline): Uncertain significance. Review status: criteria provided, multiple submitters, no conflicts (2 of 4 stars). 2 submissions from 2 submitters: Uncertain significance (2). Last evaluated 2026-08-05.

Conditions:
Inborn genetic diseases. Identifiers: MedGen C0950123, MeSH D030342.
Curry-Hall syndrome (WAD). Also called: WEYERS ACRODENTAL DYSOSTOSIS. Identifiers: Orphanet 952, MedGen C0457013, MONDO:0008673, OMIM 193530.
Ellis-van Creveld syndrome (EVC). Also called: Chondroectodermal dysplasia; MESOECTODERMAL DYSPLASIA. Identifiers: Orphanet 289, MedGen C0013903, MONDO:0009162, OMIM 225500.

Allele frequency attached by ClinVar (database versions not stated): gnomAD exomes 0.00001; gnomAD 0.00001; TOPMed 0.00001.
gnomAD v4.1: 8 of 1,608,654 alleles (0.0005%); highest among the groups gnomAD compares: Non-Finnish European, 0.00068%; no homozygotes.

Submissions (2):

Ambry Genetics
Classification: Uncertain significance for Inborn genetic diseases. Last evaluated: 2026-08-05. Review status: criteria provided, single submitter. Criteria: Ambry Variant Classification Scheme 2023. Collection method: clinical testing. Allele origin: germline.
Comment: The c.3379T>C (p.Y1127H) alteration is located in exon 20 (coding exon 20) of the EVC2 gene. This alteration results from a T to C substitution at nucleotide position 3379, causing the tyrosine (Y) at amino acid position 1127 to be replaced by a histidine (H). Based on data from gnomAD, the C allele has an overall frequency of 0.003% (1/31386) total alleles studied. The highest observed frequency was 0.007% (1/15420) of European (non-Finnish) alleles. Based on insufficient or conflicting evidence, the clinical significance of this alteration remains unclear.

Labcorp Genetics (formerly Invitae), Labcorp
Classification: Uncertain significance for Curry-Hall syndrome; Ellis-van Creveld syndrome. Last evaluated: 2025-06-22. Review status: criteria provided, single submitter. Criteria: Invitae Variant Classification Sherloc (09022015). Collection method: clinical testing. Allele origin: germline.
Comment: This sequence change replaces tyrosine, which is neutral and polar, with histidine, which is basic and polar, at codon 1127 of the EVC2 protein (p.Tyr1127His). This variant is not present in population databases (gnomAD no frequency). This variant has not been reported in the literature in individuals affected with EVC2-related conditions. ClinVar contains an entry for this variant (Variation ID: 2550407). An algorithm developed to predict the effect of missense changes on protein structure and function (PolyPhen-2) suggests that this variant is likely to be disruptive. In summary, the available evidence is currently insufficient to determine the role of this variant in disease. Therefore, it has been classified as a Variant of Uncertain Significance.